The following is an entry in ClinVar:

ClinVar aggregate classification (germline): Pathogenic (1 of 4 stars; one submission).

Submission:

Centre of Medical Genetics, University Hospital Muenster
Classification: Pathogenic. Last evaluated: 2023-03-08. Review status: criteria provided, single submitter. Criteria: ACMG Guidelines, 2015. Collection method: clinical testing. Allele origin: unknown. Affected: yes. Observed: 1 variant allele, 1 heterozygote.
Comment: ACMG categories: PVS1,PM1,PM2

NM_001844.5(COL2A1):c.4238del (p.Ile1413fs)

Gene: COL2A1 (collagen type II alpha 1 chain; minus strand). Cytogenetic location: 12q13.11.
Variant type: Deletion.
Coding change: c.4238del on transcript NM_001844.5 (MANE Select); coding-DNA position 4238, one base deleted (T; older notation c.4238delT).
Protein change: p.Ile1413fs; shifts the reading frame from isoleucine 1413.
Molecular consequence: frameshift variant.
Genome position (GRCh38, 1-based): chr12:47,974,168, A deleted on the plus strand (T on the coding strand, the reverse complement: COL2A1 is on the minus strand). VCF-style (leftmost placement, unchanged base first): chr12-47974167-GA-G. GRCh37 (hg19) VCF-style: chr12-48367950-GA-G.
Other names: c.4031del, p.Ile1344fs (NM_033150.3); short protein forms I1344fs, I1413fs.
Identifiers: ClinVar variation 2504140 (VCV002504140.2), dbSNP rs2540094660, ClinGen allele CA2580615167.